The following is an entry in ClinVar:

ClinVar aggregate classification (germline): Conflicting classifications of pathogenicity. Review status: criteria provided, conflicting classifications (1 of 4 stars). 4 submissions from 4 submitters: Likely pathogenic (1); Uncertain significance (2). 1 of the submissions does not count toward it. Last evaluated 2023-07-03.

Conditions:
Spinocerebellar ataxia type 35. Identifiers: Orphanet 276193, MedGen C3888031, MONDO:0013485, OMIM 613908.

Allele frequency attached by ClinVar (database versions not stated): TOPMed 0.00001; ExAC 0.00010; gnomAD exomes 0.00010.
gnomAD v4.1: 73 of 1,614,048 alleles (0.0045%); highest among the groups gnomAD compares: South Asian, 0.072%; 1 homozygote.

Submissions (4):

Labcorp Genetics (formerly Invitae), Labcorp
Classification: Uncertain significance. Last evaluated: 2023-07-03. Review status: criteria provided, single submitter. Criteria: Invitae Variant Classification Sherloc (09022015). Collection method: clinical testing. Allele origin: germline.
Comment: ClinVar contains an entry for this variant (Variation ID: 31086). In summary, the available evidence is currently insufficient to determine the role of this variant in disease. Therefore, it has been classified as a Variant of Uncertain Significance. Experimental studies have shown that this missense change affects TGM6 function (PMID: 23206699, 28934387). Advanced modeling of protein sequence and biophysical properties (such as structural, functional, and spatial information, amino acid conservation, physicochemical variation, residue mobility, and thermodynamic stability) has been performed at Invitae for this missense variant, however the output from this modeling did not meet the statistical confidence thresholds required to predict the impact of this variant on TGM6 protein function. This missense change has been observed in individual(s) with progressive cerebellar syndrome (PMID: 21106500). This variant is present in population databases (rs387907098, gnomAD 0.07%), and has an allele count higher than expected for a pathogenic variant. This sequence change replaces aspartic acid, which is acidic and polar, with glycine, which is neutral and non-polar, at codon 327 of the TGM6 protein (p.Asp327Gly).

Genetics and Genomic Medicine Centre, NeuroGen Healthcare, NeuroGen Healthcare
Classification: Likely pathogenic for Spinocerebellar ataxia type 35. Last evaluated: 2020-12-12. Review status: criteria provided, single submitter. Criteria: Submitter's publication. Collection method: clinical testing. Allele origin: unknown. Affected: no.

Neuberg Centre For Genomic Medicine, NCGM
Classification: Uncertain significance for Spinocerebellar ataxia type 35. Review status: criteria provided, single submitter. Criteria: ACMG Guidelines, 2015. Collection method: clinical testing. Allele origin: germline. Inheritance: Autosomal dominant inheritance. Affected: yes.
Comment: The missense c.980A>G (p.Asp327Gly) variant in TGM6 gene has been reported previously in individual(s) affected with progressive cerebellar syndrome (Wang et al., 2010). Experimental studies have shown that this missense change affects TGM6 function (Guan et al., 2013; Tripathy et al., 2017). The p.Asp327Gly variant is present with allele frequency of 0.01% in gnomAD Exomes. This variant has been submitted to the ClinVar database as Pathogenic/ Uncertain Significance. Multiple lines of computational evidence (Polyphen - Probably Damaging, SIFT - Damaging and MutationTaster - Disease causing) predict a damaging effect on protein structure and function for this variant. The reference amino acid at this position in TGM6 is predicted as conserved by GERP++ and PhyloP across 100 vertebrates. The amino acid Asp at position 327 is changed to a Gly changing protein sequence and it might alter its composition and physico-chemical properties. The available evidence is currently insufficient to determine the role of this variant in disease. Hence, additional functional studies will be required to prove the pathogenicity of this variant. For these reasons, this variant has been classified as a Variant of Uncertain Significance.

OMIM
Classification: Pathogenic for SPINOCEREBELLAR ATAXIA 35. Last evaluated: 2010-12-01. Review status: no assertion criteria provided. Collection method: literature only. Allele origin: germline. Not counted in ClinVar's aggregate classification.

Literature cited by the submitters: PubMed 23206699 (cited by Labcorp Genetics (formerly Invitae), Labcorp); PubMed 28934387 (cited by Labcorp Genetics (formerly Invitae), Labcorp); PubMed 21106500 (cited by Labcorp Genetics (formerly Invitae), Labcorp and OMIM).

NM_198994.3(TGM6):c.980A>G (p.Asp327Gly)

Gene: TGM6 (transglutaminase 6; plus strand). Cytogenetic location: 20p13.
Variant type: single nucleotide variant.
Coding change: c.980A>G on transcript NM_198994.3 (MANE Select); coding-DNA position 980, A replaced by G.
Protein change: p.Asp327Gly; replaces aspartic acid 327 with glycine.
Molecular consequence: missense variant.
Genome position (GRCh38, 1-based): chr20:2,400,435, A>G. VCF-style: chr20-2400435-A-G. GRCh37 (hg19) VCF-style: chr20-2381081-A-G.
Other names: c.980A>G, p.Asp327Gly (NM_001254734.2); short protein forms D327G.
Identifiers: ClinVar variation 31086 (VCV000031086.7), dbSNP rs387907098, ClinGen allele CA259992.